The following is an entry in ClinVar:

NC_000014.8:g.(74764773_74766250)_(74769768_?)del

Gene: ABCD4 (ATP binding cassette subfamily D member 4; minus strand). Cytogenetic location: 14q24.3.
Variant type: Deletion.
Identifiers: ClinVar variation 1722407 (VCV001722407.1).

ClinVar aggregate classification (germline): Likely pathogenic (1 of 4 stars; one submission).

Conditions:
Cobalamin C disease. Also called: methylmalonic aciduria and homocystinuria type cblC; Methylmalonic aciduria with homocystinuria cblC type; Methylmalonic aciduria and homocystinuria, Vitamin B12-responsive; Vitamin B12 metabolic defect with combined deficiency of methylmalonyl-CoA mutase and homocysteine:methyltetrahydrofolate methyltransferase; Cobalamin-C methylmalonic acidemia and homocystinuria; Methylmalonic acidemia and homocystinuria cblC type. Identifiers: Orphanet 26, Orphanet 79282, MedGen C1848561, MONDO:0010184, OMIM 277400.

Submission:

Women's Health and Genetics/Laboratory Corporation of America, LabCorp
Classification: Likely pathogenic for Cobalamin C disease. Last evaluated: 2022-09-22. Review status: criteria provided, single submitter. Criteria: LabCorp Variant Classification Summary - May 2015. Collection method: clinical testing. Allele origin: germline.
Comment: Variant summary: The variant identified by MLPA or other technology involves the deletion of exons 1-3 in the ABCD4 gene. A presumed nomenclature of c.(?_-153)_(285+1_286-1)del has been designated for the purposes of this classification. Although exact breakpoints of this deletion are not known, it is expected to result in an absent or disrupted ABCD4 protein, a known mechanism of disease. The variant was absent in 21694 control chromosomes (gnomAD SVs). To our knowledge, no occurrence of c.(?_-153)_(285+1_286-1)del in individuals affected with Methylmalonic Acidemia With Homocystinuria and no experimental evidence demonstrating its impact on protein function have been reported. One ClinVar submitter (evaluation after 2014) cites the variant as pathogenic. Based on the evidence outlined above, the variant was classified as likely pathogenic.